The following is an entry in ClinVar:

ClinVar aggregate classification (germline): Uncertain significance (1 of 4 stars; one submission).

Submission:

Ambry Genetics
Classification: Uncertain significance. Last evaluated: 2024-04-29. Review status: criteria provided, single submitter. Criteria: Ambry Variant Classification Scheme 2023. Collection method: clinical testing. Allele origin: germline.
Comment: The p.R516G variant (also known as c.1546C>G), located in coding exon 10 of the POLQ gene, results from a C to G substitution at nucleotide position 1546. The arginine at codon 516 is replaced by glycine, an amino acid with dissimilar properties. This amino acid position is conserved. In addition, this alteration is predicted to be tolerated by in silico analysis. Based on the available evidence, the clinical significance of this variant remains unclear.

NM_199420.4(POLQ):c.1546C>G (p.Arg516Gly)

Gene: POLQ (DNA polymerase theta; minus strand). Cytogenetic location: 3q13.33.
Variant type: single nucleotide variant.
Coding change: c.1546C>G on transcript NM_199420.4 (MANE Select); coding-DNA position 1546, C replaced by G.
Protein change: p.Arg516Gly; replaces arginine 516 with glycine.
Molecular consequence: missense variant.
Genome position (GRCh38, 1-based): chr3:121,511,952, G>C on the plus strand (C>G on the coding strand, the complement: POLQ is on the minus strand). VCF-style: chr3-121511952-G-C. GRCh37 (hg19) VCF-style: chr3-121230799-G-C.
Other names: short protein forms R516G.
Identifiers: ClinVar variation 3308660 (VCV003308660.1).
Genomic context (GRCh38, chr3:121,511,952, plus strand): 5'-GAATAGCTCGTATCATGCTGCCAGTTACTTCTTCTCCTTCTCGTCTTTGCAGACAGCTGC[G>C]AACAGGCTTTAGAGAACCCTGAAGGAGAGCTATGCCTTTTGATTTCTCAGAGTTCTTACA-3'
Protein context (NP_955452.3, residues 506-526): ALLQGSLKPV[Arg516Gly]SCLQRREGEE